The following is an entry in ClinVar:

ClinVar aggregate classification (germline): Uncertain significance (1 of 4 stars; one submission).

Conditions:
FG syndrome (FGS). Identifiers: MedGen C0220769, MONDO:0002010.

Allele frequency attached by ClinVar (database versions not stated): gnomAD exomes below 0.00001.
gnomAD v4.1: 2 of 1,210,653 alleles (0.00017%); highest among the groups gnomAD compares: Non-Finnish European, 0.00022%; no homozygotes.

Submission:

Labcorp Genetics (formerly Invitae), Labcorp
Classification: Uncertain significance for FG syndrome. Last evaluated: 2023-07-20. Review status: criteria provided, single submitter. Criteria: Invitae Variant Classification Sherloc (09022015). Collection method: clinical testing. Allele origin: germline.
Comment: Algorithms developed to predict the effect of sequence changes on RNA splicing suggest that this variant may create or strengthen a splice site. In summary, the available evidence is currently insufficient to determine the role of this variant in disease. Therefore, it has been classified as a Variant of Uncertain Significance. This sequence change falls in intron 5 of the MED12 gene. It does not directly change the encoded amino acid sequence of the MED12 protein. This variant is not present in population databases (gnomAD no frequency). This variant has not been reported in the literature in individuals affected with MED12-related conditions.

NM_005120.3(MED12):c.735+13G>T

Gene: MED12 (mediator complex subunit 12; plus strand). Cytogenetic location: Xq13.1.
Variant type: single nucleotide variant.
Coding change: c.735+13G>T on transcript NM_005120.3 (MANE Select); 13 bases into the intron after coding-DNA position 735, G replaced by T.
Molecular consequence: intron variant.
Genome position (GRCh38, 1-based): chrX:71,121,165, G>T. VCF-style: chrX-71121165-G-T. GRCh37 (hg19) VCF-style: chrX-70341015-G-T.
Identifiers: ClinVar variation 2745577 (VCV002745577.3), dbSNP rs2519666327, ClinGen allele CA657725201.
Genomic context (GRCh38, chrX:71,121,165, plus strand): 5'-ATCCGGCAGTGGGATTACACCGAGAAGCTGGCCATGTTCATGTTTCAGGTAGAGAGTAGG[G>T]CATGCTGTGTGGGGCATTGGGTTGAGCTTGAACTTGTACTCTGCCAGTAGAGAACAGAAT-3'